The following is an entry in ClinVar:

NM_000260.4(MYO7A):c.247C>A (p.Arg83Ser)

Gene: MYO7A (myosin VIIA; plus strand). Cytogenetic location: 11q13.5.
Variant type: single nucleotide variant.
Coding change: c.247C>A on transcript NM_000260.4 (MANE Select); coding-DNA position 247, C replaced by A.
Protein change: p.Arg83Ser; replaces arginine 83 with serine.
Molecular consequence: missense variant.
Genome position (GRCh38, 1-based): chr11:77,147,912, C>A. VCF-style: chr11-77147912-C-A. GRCh37 (hg19) VCF-style: chr11-76858958-C-A.
Other names: p.Arg83Ser; c.247C>A, p.Arg83Ser (NM_001127180.2); c.214C>A, p.Arg72Ser (NM_001369365.1); short protein forms R83S, R72S.
Identifiers: ClinVar variation 560896 (VCV000560896.8), dbSNP rs781790246, ClinGen allele CA381929241.

ClinVar aggregate classification (germline): Likely pathogenic. Review status: criteria provided, multiple submitters, no conflicts (2 of 4 stars). 4 submissions from 4 submitters: Likely pathogenic (2). 2 of the submissions do not count toward it. Last evaluated 2025-04-03.

Conditions:
Rare genetic deafness. Identifiers: Orphanet 96210, MedGen C5680250.
Deafness. Identifiers: MedGen C0011053.
Hearing loss, autosomal recessive. Also called: Autosomal recessive nonsyndromic deafness; Deafness, autosomal recessive; Rare autosomal recessive non-syndromic sensorineural deafness type DFNB; Nonsyndromic Hearing Loss, Recessive. Identifiers: Orphanet 90635, Orphanet 90636, MedGen C1846647, MONDO:0019588, OMIM 607197.
Usher syndrome type 1B (USH1B). Also called: Usher syndrome type IB. Identifiers: MedGen C1848638, MONDO:0700087.

gnomAD v4.1: 1 of 1,573,552 alleles (0.000064%); highest among the groups gnomAD compares: South Asian, 0.0012%; no homozygotes.

Submissions (4):

Natera, Inc.
Classification: Likely pathogenic for Usher syndrome type 1B. Last evaluated: 2025-04-03. Review status: criteria provided, single submitter. Criteria: Natera Variant Classification Schema (03/2026). Collection method: clinical testing. Allele origin: germline.
Comment: The c.247C>A variant in MYO7A is a missense variant predicted to cause substitution of arginine to serine at amino acid 83. This variant is rare in the general population with a frequency below the threshold expected for the associated phenotype(s). This variant has been observed in one or more individuals affected with the associated recessive disease, as either homozygous or compound heterozygous with a second variant (PMID: 30303587). This variant has been observed to segregate in affected family members (PMID: 30303587). Computational prediction algorithms indicate this variant is likely to affect gene or protein function. Given the available evidence, this variant is classified as Likely Pathogenic.

Laboratory for Molecular Medicine, Mass General Brigham Personalized Medicine
Classification: Likely pathogenic for Rare genetic deafness. Last evaluated: 2020-10-22. Review status: criteria provided, single submitter. Criteria: LMM Criteria. Collection method: clinical testing. Allele origin: germline. Inheritance: Autosomal recessive inheritance. Observed: 5 variant alleles.
Comment: The p.Arg83Ser variant in MYO7A was identified by our laboratory in 1 Yemeni family with hearing loss, and in 1 Pakistani family with hearing loss in which the variant was homozygous (Richard 2019 PMID: 30303587). In the family observed at our laboratory, the variant was confirmed to be homozygous in three siblings with hearing loss, heterozygous in the unaffected parents, and absent from an unaffected sibling. In the family reported in Richard 2019, the variant was homozygous in 4 affected siblings and parents were confirmed heterozygous. This variant was not identified in large population studies, and was not identified in 112 Pakistani control alleles (Richard 2019 PMID: 30303587). Computational prediction tools and conservation analysis suggest that the p.Arg83Ser variant may impact the protein, though this information is not predictive enough to determine pathogenicity. In summary, although additional studies are required to fully establish its clinical significance, this variant meets criteria to be classified as likely pathogenic for autosomal recessive hearing loss; however, it is unknown whether or not this variant could cause autosomal recessive Usher syndrome. ACMG/AMP criteria applied: PP1_Strong, PM2, PP3, PM3_Supporting.

Center for Statistical Genetics, Columbia University
Classification: Pathogenic for Deafness. Last evaluated: 2018-09-10. Review status: no assertion criteria provided. Collection method: research. Allele origin: inherited. Affected: yes. Not counted in ClinVar's aggregate classification.
Comment: Autosomal recessive

University of Washington Center for Mendelian Genomics, University of Washington
Classification: Likely pathogenic for non-syndromic autosomal recessive hearing loss. Review status: no assertion criteria provided. Collection method: research. Allele origin: inherited. Affected: yes. Not counted in ClinVar's aggregate classification.

Literature cited by the submitters: PubMed 30303587 (cited by 3 submitters).